The following is an entry in ClinVar:

NM_000492.4(CFTR):c.1059A>C (p.Gln353His)

Gene: CFTR (CF transmembrane conductance regulator; plus strand). Cytogenetic location: 7q31.2.
Variant type: single nucleotide variant.
Coding change: c.1059A>C on transcript NM_000492.4 (MANE Select); coding-DNA position 1059, A replaced by C.
Protein change: p.Gln353His; replaces glutamine 353 with histidine.
Molecular consequence: missense variant.
Genome position (GRCh38, 1-based): chr7:117,540,289, A>C. VCF-style: chr7-117540289-A-C. GRCh37 (hg19) VCF-style: chr7-117180343-A-C.
Other names: short protein forms Q353H.
Identifiers: ClinVar variation 53176 (VCV000053176.5), dbSNP rs1800087, ClinGen allele CA326381.

ClinVar aggregate classification (germline): Uncertain significance. Review status: criteria provided, single submitter (1 of 4 stars). 2 submissions from 2 submitters: Uncertain significance (1). 1 of the submissions does not count toward it. Last evaluated 2026-01-11.

Conditions:
Cystic fibrosis (CF). Also called: MUCOVISCIDOSIS. Identifiers: Orphanet 586, MedGen C0010674, MONDO:0009061, OMIM 219700. Disease mechanism: loss of function.

gnomAD v4.1: 4 of 1,614,036 alleles (0.00025%); highest among the groups gnomAD compares: Non-Finnish European, 0.00034%; no homozygotes.

Submissions (2):

Women's Health and Genetics/Laboratory Corporation of America, LabCorp
Classification: Uncertain significance. Last evaluated: 2026-01-11. Review status: criteria provided, single submitter. Criteria: LabCorp Variant Classification Summary - May 2015. Collection method: clinical testing. Allele origin: germline.
Comment: Variant summary: CFTR c.1059A>C (p.Gln353His) results in a non-conservative amino acid change in the encoded protein sequence. Algorithms developed to predict the effect of missense changes on protein structure and function all suggest that this variant is likely to be disruptive. The variant allele was found at a frequency of 1.2e-05 in 251142 control chromosomes. The available data on variant occurrences in the general population are insufficient to allow any conclusion about variant significance. c.1059A>C has been reported in the literature as a non-informative genotype in at-least one individual affected with Cystic Fibrosis (example, LeMarechal_2001). This report does not provide unequivocal conclusions about association of the variant with Cystic Fibrosis. To our knowledge, no experimental evidence demonstrating an impact on protein function has been reported. The following publications have been ascertained in the context of this evaluation (PMID: 11379874, 11504857, 25735457). ClinVar contains an entry for this variant (Variation ID: 53176). Based on the evidence outlined above, the variant was classified as uncertain significance.

ClinVar Staff, National Center for Biotechnology Information (NCBI)
No classification provided. Condition: CFTR-related disorders. Review status: no classification provided. Collection method: literature only. Allele origin: germline. Affected: yes. Not counted in ClinVar's aggregate classification.

Literature cited by the submitters: PubMed 11379874 (cited by Women's Health and Genetics/Laboratory Corporation of America, LabCorp and ClinVar Staff, National Center for Biotechnology Information (NCBI)); PubMed 11504857 (cited by Women's Health and Genetics/Laboratory Corporation of America, LabCorp); PubMed 25735457 (cited by Women's Health and Genetics/Laboratory Corporation of America, LabCorp).